The following is an entry in ClinVar:

ClinVar aggregate classification (germline): Uncertain significance (1 of 4 stars; one submission).

gnomAD v4.1: 18 of 1,542,834 alleles (0.0012%); highest among the groups gnomAD compares: Middle Eastern, 0.017%; no homozygotes.

Submission:

Labcorp Genetics (formerly Invitae), Labcorp
Classification: Uncertain significance. Last evaluated: 2024-06-26. Review status: criteria provided, single submitter. Criteria: Invitae Variant Classification Sherloc (09022015). Collection method: clinical testing. Allele origin: germline.
Comment: This sequence change affects codon 508 of the ZNF469 mRNA. It is a 'silent' change, meaning that it does not change the encoded amino acid sequence of the ZNF469 protein. This variant is present in population databases (no rsID available, gnomAD 0.02%). This variant has not been reported in the literature in individuals affected with ZNF469-related conditions. Algorithms developed to predict the effect of sequence changes on RNA splicing suggest that this variant may create or strengthen a splice site. In summary, the available evidence is currently insufficient to determine the role of this variant in disease. Therefore, it has been classified as a Variant of Uncertain Significance.

NM_001367624.2(ZNF469):c.1524G>A (p.Ala508=)

Gene: ZNF469 (zinc finger protein 469; plus strand). Cytogenetic location: 16q24.2.
Variant type: single nucleotide variant.
Coding change: c.1524G>A on transcript NM_001367624.2 (MANE Select); coding-DNA position 1524, G replaced by A.
Protein change: p.Ala508=; no amino-acid change (alanine 508 retained).
Molecular consequence: synonymous variant.
Genome position (GRCh38, 1-based): chr16:88,428,994, G>A. VCF-style: chr16-88428994-G-A. GRCh37 (hg19) VCF-style: chr16-88495402-G-A.
Identifiers: ClinVar variation 3606613 (VCV003606613.2).